The following is an entry in ClinVar:

NM_001136193.2(FASTKD2):c.659T>C (p.Met220Thr)

Gene: FASTKD2 (FAST kinase domains 2; plus strand). Cytogenetic location: 2q33.3.
Variant type: single nucleotide variant.
Coding change: c.659T>C on transcript NM_001136193.2 (MANE Select); coding-DNA position 659, T replaced by C.
Protein change: p.Met220Thr; replaces methionine 220 with threonine.
Molecular consequence: missense variant.
Genome position (GRCh38, 1-based): chr2:206,767,352, T>C. VCF-style: chr2-206767352-T-C. GRCh37 (hg19) VCF-style: chr2-207632076-T-C.
Other names: c.659T>C, p.Met220Thr (NM_001136194.2, NM_014929.4); short protein forms M220T.
Identifiers: ClinVar variation 1932790 (VCV001932790.5), dbSNP rs376010134, ClinGen allele CA2074919.

ClinVar aggregate classification (germline): Uncertain significance (1 of 4 stars; one submission).

Allele frequency attached by ClinVar (database versions not stated): ExAC 0.00001; ESP Exome Variant Server 0.00008.
gnomAD v4.1: 5 of 1,613,974 alleles (0.00031%); highest among the groups gnomAD compares: East Asian, 0.011%; no homozygotes.

Submission:

Labcorp Genetics (formerly Invitae), Labcorp
Classification: Uncertain significance. Last evaluated: 2022-07-06. Review status: criteria provided, single submitter. Criteria: Invitae Variant Classification Sherloc (09022015). Collection method: clinical testing. Allele origin: germline.
Comment: In summary, the available evidence is currently insufficient to determine the role of this variant in disease. Therefore, it has been classified as a Variant of Uncertain Significance. Algorithms developed to predict the effect of missense changes on protein structure and function output the following: SIFT: "Tolerated"; PolyPhen-2: "Benign"; Align-GVGD: "Class C0". The threonine amino acid residue is found in multiple mammalian species, which suggests that this missense change does not adversely affect protein function. This variant has not been reported in the literature in individuals affected with FASTKD2-related conditions. This variant is present in population databases (rs376010134, gnomAD 0.01%). This sequence change replaces methionine, which is neutral and non-polar, with threonine, which is neutral and polar, at codon 220 of the FASTKD2 protein (p.Met220Thr).